The following is an entry in ClinVar:

NM_001376.5(DYNC1H1):c.13714A>C (p.Asn4572His)

Gene: DYNC1H1 (dynein cytoplasmic 1 heavy chain 1; plus strand). Cytogenetic location: 14q32.31.
Variant type: single nucleotide variant.
Coding change: c.13714A>C on transcript NM_001376.5 (MANE Select); coding-DNA position 13714, A replaced by C.
Protein change: p.Asn4572His; replaces asparagine 4572 with histidine.
Molecular consequence: missense variant.
Genome position (GRCh38, 1-based): chr14:102,050,100, A>C. VCF-style: chr14-102050100-A-C. GRCh37 (hg19) VCF-style: chr14-102516437-A-C.
Other names: short protein forms N4572H.
Identifiers: ClinVar variation 2095332 (VCV002095332.4), dbSNP rs2503891473, ClinGen allele CA391051462.

ClinVar aggregate classification (germline): Uncertain significance (1 of 4 stars; one submission).

Conditions:
Charcot-Marie-Tooth disease axonal type 2O. Also called: CHARCOT-MARIE-TOOTH NEUROPATHY, AXONAL, TYPE 2O; CHARCOT-MARIE-TOOTH DISEASE, AXONAL, AUTOSOMAL DOMINANT, TYPE 2O; Charcot-Marie-Tooth disease, axonal, type 20; Charcot-Marie-Tooth Neuropathy Type 2O. Identifiers: Orphanet 284232, MedGen C3280220, MONDO:0013644, OMIM 614228.

Submission:

Labcorp Genetics (formerly Invitae), Labcorp
Classification: Uncertain significance for Charcot-Marie-Tooth disease axonal type 2O. Last evaluated: 2022-02-09. Review status: criteria provided, single submitter. Criteria: Invitae Variant Classification Sherloc (09022015). Collection method: clinical testing. Allele origin: germline.
Comment: Advanced modeling of protein sequence and biophysical properties (such as structural, functional, and spatial information, amino acid conservation, physicochemical variation, residue mobility, and thermodynamic stability) performed at Invitae indicates that this missense variant is not expected to disrupt DYNC1H1 protein function. This variant has not been reported in the literature in individuals affected with DYNC1H1-related conditions. This variant is not present in population databases (gnomAD no frequency). This sequence change replaces asparagine, which is neutral and polar, with histidine, which is basic and polar, at codon 4572 of the DYNC1H1 protein (p.Asn4572His). In summary, the available evidence is currently insufficient to determine the role of this variant in disease. Therefore, it has been classified as a Variant of Uncertain Significance.